The following is an entry in ClinVar:

ClinVar aggregate classification (germline): Uncertain significance (1 of 4 stars; one submission).

Conditions:
Spastic paraplegia. Identifiers: MedGen C0037772, HP:0001258.

gnomAD v4.1: 4 of 1,613,942 alleles (0.00025%); highest among the groups gnomAD compares: Non-Finnish European, 0.00017%; no homozygotes.

Submission:

Labcorp Genetics (formerly Invitae), Labcorp
Classification: Uncertain significance for Spastic paraplegia. Last evaluated: 2025-04-03. Review status: criteria provided, single submitter. Criteria: Invitae Variant Classification Sherloc (09022015). Collection method: clinical testing. Allele origin: germline.
Comment: This sequence change replaces tyrosine, which is neutral and polar, with cysteine, which is neutral and slightly polar, at codon 182 of the FA2H protein (p.Tyr182Cys). This variant is not present in population databases (gnomAD no frequency). This variant has not been reported in the literature in individuals affected with FA2H-related conditions. Invitae Evidence Modeling of protein sequence and biophysical properties (such as structural, functional, and spatial information, amino acid conservation, physicochemical variation, residue mobility, and thermodynamic stability) indicates that this missense variant is not expected to disrupt FA2H protein function with a negative predictive value of 80%. In summary, the available evidence is currently insufficient to determine the role of this variant in disease. Therefore, it has been classified as a Variant of Uncertain Significance.

NM_024306.5(FA2H):c.545A>G (p.Tyr182Cys)

Gene: FA2H (fatty acid 2-hydroxylase; minus strand). Cytogenetic location: 16q23.1.
Variant type: single nucleotide variant.
Coding change: c.545A>G on transcript NM_024306.5 (MANE Select); coding-DNA position 545, A replaced by G.
Protein change: p.Tyr182Cys; replaces tyrosine 182 with cysteine.
Molecular consequence: missense variant.
Genome position (GRCh38, 1-based): chr16:74,726,293, T>C on the plus strand (A>G on the coding strand, the complement: FA2H is on the minus strand). VCF-style: chr16-74726293-T-C. GRCh37 (hg19) VCF-style: chr16-74760191-T-C.
Other names: short protein forms Y182C.
Identifiers: ClinVar variation 4698520 (VCV004698520.1).
Genomic context (GRCh38, chr16:74,726,293, plus strand): 5'-AATGACGTGAAGAGTCGGACGTTGCCCTGGGCAAAGGTTCGGTAGTAGGACCAGCTGAGA[T>C]ACAGCACCAGGGGCACCCAGATGATGGGGACACTGTACCTGCAGGAAGGCCATCAGGGTG-3'
Protein context (NP_077282.3, residues 172-192): VPIIWVPLVL[Tyr182Cys]LSWSYYRTFA